The following is an entry in ClinVar:

NM_000264.5(PTCH1):c.655-2A>G

Gene: PTCH1 (patched 1; minus strand). Cytogenetic location: 9q22.32.
Variant type: single nucleotide variant.
Coding change: c.655-2A>G on transcript NM_000264.5 (MANE Select); the canonical splice acceptor site of the intron before coding-DNA position 655, A replaced by G.
Molecular consequence: splice acceptor variant.
Genome position (GRCh38, 1-based): chr9:95,482,042, T>C on the plus strand (A>G on the coding strand, the complement: PTCH1 is on the minus strand). VCF-style: chr9-95482042-T-C. GRCh37 (hg19) VCF-style: chr9-98244324-T-C.
Other names: c.652-2A>G (NM_001083603.3); c.457-2A>G (NM_001083602.3, NM_001354919.2); c.655-2A>G (NM_001354918.2); c.202-2A>G (NM_001083605.3, NM_001083604.3, NM_001083606.3 and 1 more transcripts).
Identifiers: ClinVar variation 2010450 (VCV002010450.4), dbSNP rs2538246190, ClinGen allele CA374114999.
Genomic context (GRCh38, chr9:95,482,042, plus strand): 5'-CCTTCCCAGAAGCAGTCCAAAGGTGTAATAATCAAACAAGGGTAAAGATATTCTATTATC[T>C]GTCAAAGTTAAAAAGAAGAGGCCATGCGTTAGGTTAAGGCACACTACTGGGGTGTTCCTG-3'

ClinVar aggregate classification (germline): Likely pathogenic (1 of 4 stars; one submission).

Conditions:
Gorlin syndrome. Also called: Nevoid Basal Cell Carcinoma Syndrome; Basal cell nevus syndrome. Identifiers: Orphanet 377, MedGen C0004779, MONDO:0007187.

Submission:

Labcorp Genetics (formerly Invitae), Labcorp
Classification: Likely pathogenic for Gorlin syndrome. Last evaluated: 2022-06-25. Review status: criteria provided, single submitter. Criteria: Invitae Variant Classification Sherloc (09022015). Collection method: clinical testing. Allele origin: germline.
Comment: In summary, the currently available evidence indicates that the variant is pathogenic, but additional data are needed to prove that conclusively. Therefore, this variant has been classified as Likely Pathogenic. Studies have shown that disruption of this splice site is associated with altered splicing resulting in skipping of exons 4 and 5 (PMID: 15712338). Disruption of this splice site has been observed in individuals with basal cell nevus syndrome (PMID: 15712338, 29575684; Invitae). This variant is not present in population databases (gnomAD no frequency). This sequence change affects an acceptor splice site in intron 4 of the PTCH1 gene. It is expected to disrupt RNA splicing. Variants that disrupt the donor or acceptor splice site typically lead to a loss of protein function (PMID: 16199547), and loss-of-function variants in PTCH1 are known to be pathogenic (PMID: 16301862, 16419085).

Literature cited by the submitters: PubMed 15712338; PubMed 29575684; PubMed 16199547; PubMed 16301862; PubMed 16419085.